The following is an entry in ClinVar:

ClinVar aggregate classification (germline): Pathogenic (1 of 4 stars; one submission).

Conditions:
Neuromuscular disease. Also called: Neuromuscular disorder; Neuromyopathy. Identifiers: Orphanet 68381, MedGen C0027868, MeSH D009468, MONDO:0019056.

Submission:

Laboratory for Molecular Medicine, Mass General Brigham Personalized Medicine
Classification: Pathogenic for Neuromuscular disease. Last evaluated: 2020-08-20. Review status: criteria provided, single submitter. Criteria: LMM Criteria. Collection method: clinical testing. Allele origin: germline. Observed: 3 variant alleles.
Comment: The p.Asn22897X;Gly32772fs variants located in cis in TTN have been reported in 1 child with centronuclear myopathy, who carried another likely pathogenic variant on the other copy of the TTN gene (Ceyhan-Birsoy 2013 PMID: 23975875). Parental testing show that these variants occur on the same copy of the gene (in cis). Both variants were absent from large population studies. The Asn22897X variant is a nonsense variant in the A-band that leads to a premature termination codon at position 22897. The Gly32772fs variant is a frameshift variant in the M-band that is predicted to alter the protein's amino acid sequence beginning at position 32772 and leads to a premature termination codon 65 amino acids downstream. Both alterations are predicted to lead to a truncated or absent protein. Loss of function of the TTN gene is an established disease mechanism in autosomal recessive centronuclear myopathy and autosomal dominant cardiomyopathy. Both variants (individually and in combination) are expected to severely affect the TTN protein and, therefore, meet criteria to be classified as pathogenic. ACMG/AMP criteria applied: PVS1, PM2, PM3.

Literature cited by the submitters: PubMed 23975875.

NM_133378.4(TTN):c.[68689_68692delAACA;98315delG]

Variant type: Haplotype.
Identifiers: ClinVar variation 178839 (VCV000178839.6).